The following is an entry in ClinVar:

NM_001292063.2(OTOG):c.2939G>C (p.Arg980Pro)

Gene: OTOG (otogelin; plus strand). Cytogenetic location: 11p15.1.
Variant type: single nucleotide variant.
Coding change: c.2939G>C on transcript NM_001292063.2 (MANE Select); coding-DNA position 2939, G replaced by C.
Protein change: p.Arg980Pro; replaces arginine 980 with proline.
Molecular consequence: missense variant.
Genome position (GRCh38, 1-based): chr11:17,591,521, G>C. VCF-style: chr11-17591521-G-C. GRCh37 (hg19) VCF-style: chr11-17613068-G-C.
Other names: c.2975G>C, p.Arg992Pro (NM_001277269.2); short protein forms R992P, R980P.
Identifiers: ClinVar variation 229087 (VCV000229087.11), dbSNP rs876657938, ClinGen allele CA10576864.

ClinVar aggregate classification (germline): Uncertain significance. Review status: criteria provided, multiple submitters, no conflicts (2 of 4 stars). 2 submissions from 2 submitters: Uncertain significance (2). Last evaluated 2025-09-05.

Allele frequency attached by ClinVar (database versions not stated): TOPMed 0.00006.
gnomAD v4.1: 26 of 1,550,562 alleles (0.0017%); highest among the groups gnomAD compares: Non-Finnish European, 0.0021%; no homozygotes.

Submissions (2):

GeneDx
Classification: Uncertain significance. Last evaluated: 2025-09-05. Review status: criteria provided, single submitter. Criteria: GeneDx Variant Classification Process June 2021. Collection method: clinical testing. Allele origin: germline. Affected: yes.
Comment: Not observed at significant frequency in large population cohorts (gnomAD); In silico analysis supports that this missense variant has a deleterious effect on protein structure/function; Has not been previously published as pathogenic or benign to our knowledge

Laboratory for Molecular Medicine, Mass General Brigham Personalized Medicine
Classification: Uncertain significance. Last evaluated: 2015-09-01. Review status: criteria provided, single submitter. Criteria: LMM Criteria. Collection method: clinical testing. Allele origin: germline. Observed: 1 variant allele.
Comment: The p.Arg992Pro variant in OTOG has not been previously reported in individuals with hearing loss. Data from large population studies are insufficient to assess the frequency of this variant. Computational prediction tools and conservation analysis suggest that this variant may impact the protein, though this informati on is not predictive enough to determine pathogenicity. In summary, the clinical significance of the p.Arg992Pro variant is uncertain.